The following is an entry in ClinVar:

ClinVar aggregate classification (germline): Pathogenic (1 of 4 stars; one submission).

Conditions:
Early-infantile DEE. Also called: Early infantile epileptic encephalopathy; Early infantile epileptic encephalopathy with suppression bursts; Ohtahara syndrome. Identifiers: Orphanet 1934, MedGen C0393706, MONDO:0800491.

Submission:

Labcorp Genetics (formerly Invitae), Labcorp
Classification: Pathogenic for Early-infantile DEE. Last evaluated: 2023-09-29. Review status: criteria provided, single submitter. Criteria: Invitae Variant Classification Sherloc (09022015). Collection method: clinical testing. Allele origin: germline.
Comment: This variant is not present in population databases (gnomAD no frequency). This sequence change affects a donor splice site in intron 5 of the SCN1A gene. It is expected to disrupt RNA splicing. Variants that disrupt the donor or acceptor splice site typically lead to a loss of protein function (PMID: 16199547), and loss-of-function variants in SCN1A are known to be pathogenic (PMID: 17347258, 18930999). Disruption of this splice site has been observed in individual(s) with generalized epilepsy (PMID: 19522081). In at least one individual the variant was observed to be de novo. For these reasons, this variant has been classified as Pathogenic. Algorithms developed to predict the effect of sequence changes on RNA splicing suggest that this variant may disrupt the consensus splice site.

Literature cited by the submitters: PubMed 16199547; PubMed 17347258; PubMed 18930999; PubMed 19522081.

NM_001165963.4(SCN1A):c.694+1G>A

Gene: SCN1A (sodium voltage-gated channel alpha subunit 1; minus strand). Cytogenetic location: 2q24.3.
Variant type: single nucleotide variant.
Coding change: c.694+1G>A on transcript NM_001165963.4 (MANE Select); the canonical splice donor site of the intron after coding-DNA position 694, G replaced by A.
Molecular consequence: splice donor variant.
Genome position (GRCh38, 1-based): chr2:166,052,851, C>T on the plus strand (G>A on the coding strand, the complement: SCN1A is on the minus strand). VCF-style: chr2-166052851-C-T. GRCh37 (hg19) VCF-style: chr2-166909361-C-T.
Other names: c.694+1G>A (NM_001353949.2, NM_001353958.2, NM_001353950.2 and 10 more transcripts); c.-1732+1G>A (NM_001353961.2).
Identifiers: ClinVar variation 2734317 (VCV002734317.3), dbSNP rs2468232479, ClinGen allele CA349073998.